The following is an entry in ClinVar:

NM_033100.4(CDHR1):c.1803G>C (p.Glu601Asp)

Gene: CDHR1 (cadherin related family member 1; plus strand). Cytogenetic location: 10q23.1.
Variant type: single nucleotide variant.
Coding change: c.1803G>C on transcript NM_033100.4 (MANE Select); coding-DNA position 1803, G replaced by C.
Protein change: p.Glu601Asp; replaces glutamic acid 601 with aspartic acid.
Molecular consequence: missense variant.
Genome position (GRCh38, 1-based): chr10:84,213,111, G>C. VCF-style: chr10-84213111-G-C. GRCh37 (hg19) VCF-style: chr10-85972867-G-C.
Other names: c.1803G>C, p.Glu601Asp (NM_001171971.3); short protein forms E601D.
Identifiers: ClinVar variation 1916426 (VCV001916426.3), dbSNP rs780807584, ClinGen allele CA5580062.

ClinVar aggregate classification (germline): Uncertain significance. Review status: criteria provided, multiple submitters, no conflicts (2 of 4 stars). 2 submissions from 2 submitters: Uncertain significance (2). Last evaluated 2021-12-26.

Allele frequency attached by ClinVar (database versions not stated): ExAC 0.00001; gnomAD 0.00001; TOPMed 0.00002; gnomAD exomes 0.00004.
gnomAD v4.1: 56 of 1,614,110 alleles (0.0035%); highest among the groups gnomAD compares: Non-Finnish European, 0.0047%; no homozygotes.

Submissions (2):

Labcorp Genetics (formerly Invitae), Labcorp
Classification: Uncertain significance. Last evaluated: 2021-12-26. Review status: criteria provided, single submitter. Criteria: Invitae Variant Classification Sherloc (09022015). Collection method: clinical testing. Allele origin: germline.
Comment: This sequence change replaces glutamic acid, which is acidic and polar, with aspartic acid, which is acidic and polar, at codon 601 of the CDHR1 protein (p.Glu601Asp). This variant is present in population databases (rs780807584, gnomAD 0.0009%). This variant has not been reported in the literature in individuals affected with CDHR1-related conditions. Advanced modeling of protein sequence and biophysical properties (such as structural, functional, and spatial information, amino acid conservation, physicochemical variation, residue mobility, and thermodynamic stability) performed at Invitae indicates that this missense variant is not expected to disrupt CDHR1 protein function. In summary, the available evidence is currently insufficient to determine the role of this variant in disease. Therefore, it has been classified as a Variant of Uncertain Significance.

Blueprint Genetics
Classification: Uncertain significance. Last evaluated: 2021-04-20. Review status: criteria provided, single submitter. Criteria: ACMG Guidelines, 2015. Collection method: clinical testing. Allele origin: germline.